The following is an entry in ClinVar:

NM_001394062.1(MACF1):c.3154C>T (p.Arg1052Trp)

Gene: MACF1 (microtubule actin crosslinking factor 1; plus strand). Cytogenetic location: 1p34.3.
Variant type: single nucleotide variant.
Coding change: c.3154C>T on transcript NM_001394062.1 (MANE Select); coding-DNA position 3154, C replaced by T.
Protein change: p.Arg1052Trp; replaces arginine 1052 with tryptophan.
Molecular consequence: missense variant.
Genome position (GRCh38, 1-based): chr1:39,310,884, C>T. VCF-style: chr1-39310884-C-T. GRCh37 (hg19) VCF-style: chr1-39776556-C-T.
Other names: c.3169C>T, p.Arg1057Trp (NM_012090.5); short protein forms R1052W, R1057W.
Identifiers: ClinVar variation 2364333 (VCV002364333.6), dbSNP rs554979175, ClinGen allele CA779906.
Genomic context (GRCh38, chr1:39,310,884, plus strand): 5'-TTCACAGAGGACAAAGAGGAGACTGTGGCCAAGATGTACATTTCAGAGTTGAAGAACATC[C>T]GGCTACGCCTGGAGGAGTATGAACAGAGGGTGGTCAAACGAATTCAGTCTCTAGCCAGCT-3'
Protein context (NP_001380991.1, residues 1042-1062): KMYISELKNI[Arg1052Trp]LRLEEYEQRV

ClinVar aggregate classification (germline): Conflicting classifications of pathogenicity. Review status: criteria provided, conflicting classifications (1 of 4 stars). 3 submissions from 3 submitters: Uncertain significance (1); Likely benign (1). 1 of the submissions does not count toward it. Last evaluated 2026-03-05.

Conditions:
Inborn genetic diseases. Identifiers: MedGen C0950123, MeSH D030342.
MACF1-related disorder. Also called: MACF1-related condition.

Allele frequency attached by ClinVar (database versions not stated): gnomAD 0.00003; TOPMed 0.00003; gnomAD exomes 0.00004; ExAC 0.00007.
gnomAD v4.1: 69 of 1,613,916 alleles (0.0043%); highest among the groups gnomAD compares: Middle Eastern, 0.033%; no homozygotes.

Submissions (3):

GeneDx
Classification: Uncertain significance. Last evaluated: 2026-03-05. Review status: criteria provided, single submitter. Criteria: GeneDx Variant Classification Process June 2021. Collection method: clinical testing. Allele origin: germline.
Comment: In silico analysis supports that this missense variant has a deleterious effect on protein structure/function; Has not been previously published as pathogenic or benign to our knowledge

Ambry Genetics
Classification: Likely benign for Inborn genetic diseases. Last evaluated: 2022-09-28. Review status: criteria provided, single submitter. Criteria: Ambry Variant Classification Scheme 2023. Collection method: clinical testing. Allele origin: germline.

PreventionGenetics, part of Exact Sciences
Classification: Likely benign for MACF1-related condition. Last evaluated: 2023-10-03. Review status: no assertion criteria provided. Collection method: clinical testing. Allele origin: germline. Not counted in ClinVar's aggregate classification.
Comment: This variant is classified as likely benign based on ACMG/AMP sequence variant interpretation guidelines (Richards et al. 2015 PMID: 25741868, with internal and published modifications).